The following is an entry in ClinVar:

ClinVar aggregate classification (germline): Likely benign. Review status: criteria provided, multiple submitters, no conflicts (2 of 4 stars). 2 submissions from 2 submitters: Likely benign (2). Last evaluated 2025-02-17.

Conditions:
IFT27-related disorder. Also called: IFT27-related condition.

Allele frequency attached by ClinVar (database versions not stated): ExAC 0.00001; gnomAD 0.00001; gnomAD exomes 0.00001 and 0.00003; TOPMed 0.00001.
gnomAD v4.1: 42 of 1,605,758 alleles (0.0026%); highest among the groups gnomAD compares: South Asian, 0.0045%; no homozygotes.

Submissions (2):

PreventionGenetics, part of Exact Sciences
Classification: Likely benign for IFT27-related condition. Last evaluated: 2025-02-17. Review status: criteria provided, single submitter. Criteria: ACMG Guidelines, 2015. Collection method: clinical testing. Allele origin: germline.
Comment: This variant is classified as likely benign based on ACMG/AMP sequence variant interpretation guidelines (Richards et al. 2015 PMID: 25741868, with internal and published modifications).

Labcorp Genetics (formerly Invitae), Labcorp
Classification: Likely benign. Last evaluated: 2023-12-05. Review status: criteria provided, single submitter. Criteria: Invitae Variant Classification Sherloc (09022015). Collection method: clinical testing. Allele origin: germline.

NM_001177701.3(IFT27):c.384C>T (p.Ala128=)

Genes: CACNG2-DT (CACNG2 divergent transcript; plus strand), IFT27 (intraflagellar transport 27; minus strand). Cytogenetic location: 22q12.3.
Variant type: single nucleotide variant.
Coding change: c.384C>T on transcript NM_001177701.3 (MANE Select); coding-DNA position 384, C replaced by T.
Protein change: p.Ala128=; no amino-acid change (alanine 128 retained).
Molecular consequence: synonymous variant.
Genome position (GRCh38, 1-based): chr22:36,762,982, G>A on the plus strand (C>T on the coding strand, the complement: IFT27 is on the minus strand). VCF-style: chr22-36762982-G-A. GRCh37 (hg19) VCF-style: chr22-37159026-G-A.
Other names: c.384C>T, p.Ala128= (NM_001363003.2); c.381C>T, p.Ala127= (NM_006860.5).
Identifiers: ClinVar variation 782352 (VCV000782352.11), dbSNP rs755859739, ClinGen allele CA10212359.